The following is an entry in ClinVar:

ClinVar aggregate classification (germline): Pathogenic (1 of 4 stars; one submission).

Conditions:
Juvenile polyposis syndrome (JPS). Identifiers: Orphanet 2929, MedGen C0345893, MONDO:0017380, OMIM 174900.

Submission:

Labcorp Genetics (formerly Invitae), Labcorp
Classification: Pathogenic for Juvenile polyposis syndrome. Last evaluated: 2023-02-05. Review status: criteria provided, single submitter. Criteria: Invitae Variant Classification Sherloc (09022015). Collection method: clinical testing. Allele origin: germline.
Comment: This sequence change creates a premature translational stop signal (p.Ser171Profs*36) in the BMPR1A gene. It is expected to result in an absent or disrupted protein product. Loss-of-function variants in BMPR1A are known to be pathogenic (PMID: 11536076, 12417513). This variant is not present in population databases (gnomAD no frequency). This variant has not been reported in the literature in individuals affected with BMPR1A-related conditions. For these reasons, this variant has been classified as Pathogenic.

Literature cited by the submitters: PubMed 11536076; PubMed 12417513.

NM_004329.3(BMPR1A):c.510del (p.Ser171fs)

Gene: BMPR1A (bone morphogenetic protein receptor type 1A; plus strand). Cytogenetic location: 10q23.2.
Variant type: Deletion.
Coding change: c.510del on transcript NM_004329.3 (MANE Select); coding-DNA position 510, one base deleted (C; older notation c.510delC).
Protein change: p.Ser171fs; shifts the reading frame from serine 171.
Molecular consequence: frameshift variant. On other transcripts: non-coding transcript variant (3), intron variant (1).
Genome position (GRCh38, 1-based): chr10:86,900,106, C deleted. VCF-style (leftmost placement, unchanged base first): chr10-86900105-TC-T. GRCh37 (hg19) VCF-style: chr10-88659862-TC-T.
Other names: c.510del, p.Ser171fs (NM_001406559.1, NM_001406560.1, NM_001406561.1 and 22 more transcripts); c.426del, p.Ser143fs (NM_001406584.1, NM_001406585.1, NM_001406586.1 and 2 more transcripts); c.333+7877del (NM_001406589.1); short protein forms S171fs, S143fs.
Identifiers: ClinVar variation 2826693 (VCV002826693.3), dbSNP rs2539495592, ClinGen allele CA2739275871.